The following is an entry in ClinVar:

NM_000038.6(APC):c.1409G>A (p.Gly470Glu)

Gene: APC (APC regulator of Wnt signaling pathway; plus strand). Cytogenetic location: 5q22.2.
Variant type: single nucleotide variant.
Coding change: c.1409G>A on transcript NM_000038.6 (MANE Select); coding-DNA position 1409, G replaced by A.
Protein change: p.Gly470Glu; replaces glycine 470 with glutamic acid.
Molecular consequence: missense variant.
Genome position (GRCh38, 1-based): chr5:112,827,108, G>A. VCF-style: chr5-112827108-G-A. GRCh37 (hg19) VCF-style: chr5-112162805-G-A.
Other names: c.1409G>A, p.Gly470Glu (NM_001127510.3, NM_001354895.2); c.1355G>A, p.Gly452Glu (NM_001127511.3); c.1463G>A, p.Gly488Glu (NM_001354896.2); c.1439G>A, p.Gly480Glu (NM_001354897.2); c.1334G>A, p.Gly445Glu (NM_001354898.2); c.1325G>A, p.Gly442Glu (NM_001354899.2); c.1286G>A, p.Gly429Glu (NM_001354900.2); c.1232G>A, p.Gly411Glu (NM_001354901.2); and 5 more; short protein forms G452E, G470E, G310E, G429E, G480E, G344E, G379E, G442E.
Identifiers: ClinVar variation 580513 (VCV000580513.10), dbSNP rs1561553355, ClinGen allele CA16024394.

ClinVar aggregate classification (germline): Uncertain significance. Review status: criteria provided, multiple submitters, no conflicts (2 of 4 stars). 2 submissions from 2 submitters: Uncertain significance (2). Last evaluated 2023-12-27.

Conditions:
Hereditary cancer-predisposing syndrome. Also called: Neoplastic Syndromes, Hereditary; Tumor predisposition; Hereditary neoplastic syndrome; Hereditary Cancer Syndrome. Identifiers: Orphanet 140162, MedGen C0027672, MeSH D009386, MONDO:0015356.
Familial adenomatous polyposis 1 (FAP1). Also called: FAMILIAL ADENOMATOUS POLYPOSIS 1, ATTENUATED; POLYPOSIS, ADENOMATOUS INTESTINAL. Identifiers: MedGen C2713442, MONDO:0021056, OMIM 175100. Disease mechanism: loss of function.

Submissions (2):

Labcorp Genetics (formerly Invitae), Labcorp
Classification: Uncertain significance for Familial adenomatous polyposis 1. Last evaluated: 2023-12-27. Review status: criteria provided, single submitter. Criteria: Invitae Variant Classification Sherloc (09022015). Collection method: clinical testing. Allele origin: germline.
Comment: This sequence change replaces glycine, which is neutral and non-polar, with glutamic acid, which is acidic and polar, at codon 470 of the APC protein (p.Gly470Glu). This variant is not present in population databases (gnomAD no frequency). This variant has not been reported in the literature in individuals affected with APC-related conditions. ClinVar contains an entry for this variant (Variation ID: 580513). An algorithm developed to predict the effect of missense changes on protein structure and function (PolyPhen-2) suggests that this variant is likely to be disruptive. In summary, the available evidence is currently insufficient to determine the role of this variant in disease. Therefore, it has been classified as a Variant of Uncertain Significance.

Sema4
Classification: Uncertain significance for Hereditary cancer-predisposing syndrome. Last evaluated: 2021-10-31. Review status: criteria provided, single submitter. Criteria: Sema4 Curation Guidelines. Collection method: curation. Allele origin: germline.
Comment: The APC c.1409G>A (p.G470E) variant has not been reported in the literature to our knowledge. It was not observed in the large and broad cohorts of the Genome Aggregation Database (PMID: 32461654). This variant has been reported in ClinVar (Variation ID 580513). The variant is located at the first nucleotide of exon 12. Functional studies have not been performed and in silico predictions of the variant's effect on protein function are inconclusive. However, algorithms developed to predict the effect of sequence changes on RNA splicing tools suggest the variant may disrupt normal splicing, though these predictions have not been confirmed by transcriptional studies. The evidence is insufficient to meet ACMG/AMP criteria for classifying the variant as benign or pathogenic. Thus, the clinical significance of this variant is currently uncertain.